The following is an entry in ClinVar:

NM_178857.6(RP1L1):c.211C>T (p.Arg71Cys)

Gene: RP1L1 (RP1 like 1). Cytogenetic location: 8p23.1.
Variant type: single nucleotide variant.
Coding change: c.211C>T on transcript NM_178857.6 (MANE Select); coding-DNA position 211, C replaced by T.
Protein change: p.Arg71Cys; replaces arginine 71 with cysteine.
Molecular consequence: missense variant.
Genome position (GRCh38, 1-based): chr8:10,622,991, G>A on the plus strand (C>T on the coding strand, the complement: RP1L1 is on the minus strand). VCF-style: chr8-10622991-G-A. GRCh37 (hg19) VCF-style: chr8-10480501-G-A.
Other names: short protein forms R71C.
Identifiers: ClinVar variation 866378 (VCV000866378.35), dbSNP rs201291934, ClinGen allele CA4625820.
Genomic context (GRCh38, chr8:10,622,991, plus strand): 5'-TGAGGCTATGCAGGCCCCGGGGTGTGGTGACAGAGCGCACCCCAAAGGAGAGAGGCACGC[G>A]CTGGGAGAGCTCGTCCATGAGGGCGCTGAAGGTCTTAAAGGCGCGCTGGTGAACGGCCAG-3'
Protein context (NP_849188.4, residues 61-81): FSALMDELSQ[Arg71Cys]VPLSFGVRSV

ClinVar aggregate classification (germline): Conflicting classifications of pathogenicity. Review status: criteria provided, conflicting classifications (1 of 4 stars). 6 submissions from 6 submitters: Uncertain significance (4); Likely benign (1). 1 of the submissions does not count toward it. Last evaluated 2026-08-12.

Conditions:
RP1L1-related disorder. Also called: RP1L1-related condition.
Retinal dystrophy. Also called: Inherited retinal dystrophy. Identifiers: Orphanet 71862, MedGen C0854723, MeSH D058499, MONDO:0019118, HP:0000556.
Inborn genetic diseases. Identifiers: MedGen C0950123, MeSH D030342.

Allele frequency attached by ClinVar (database versions not stated): TOPMed 0.00014; gnomAD 0.00017; ExAC 0.00019; gnomAD exomes 0.00019 and 0.00021; ESP Exome Variant Server 0.00024.

Submissions (6):

PreventionGenetics, part of Exact Sciences
Classification: Likely benign for RP1L1-related condition. Last evaluated: 2026-08-12. Review status: criteria provided, single submitter. Criteria: ACMG Guidelines, 2015. Collection method: clinical testing. Allele origin: germline.
Comment: This variant is classified as likely benign based on ACMG/AMP sequence variant interpretation guidelines (Richards et al. 2015 PMID: 25741868, with internal and published modifications).

Labcorp Genetics (formerly Invitae), Labcorp
Classification: Uncertain significance. Last evaluated: 2026-01-30. Review status: criteria provided, single submitter. Criteria: Invitae Variant Classification Sherloc (09022015). Collection method: clinical testing. Allele origin: germline.
Comment: This sequence change replaces arginine, which is basic and polar, with cysteine, which is neutral and slightly polar, at codon 71 of the RP1L1 protein (p.Arg71Cys). This variant is present in population databases (rs201291934, gnomAD 0.2%). This variant has not been reported in the literature in individuals affected with RP1L1-related conditions. ClinVar contains an entry for this variant (Variation ID: 866378). Invitae Evidence Modeling of protein sequence and biophysical properties (such as structural, functional, and spatial information, amino acid conservation, physicochemical variation, residue mobility, and thermodynamic stability) has been performed for this missense variant. However, the output from this modeling did not meet the statistical confidence thresholds required to predict the impact of this variant on RP1L1 protein function. In summary, the available evidence is currently insufficient to determine the role of this variant in disease. Therefore, it has been classified as a Variant of Uncertain Significance.

Ambry Genetics
Classification: Uncertain significance for Inborn genetic diseases. Last evaluated: 2025-11-13. Review status: criteria provided, single submitter. Criteria: Ambry Variant Classification Scheme 2023. Collection method: clinical testing. Allele origin: germline.

Blueprint Genetics
Classification: Uncertain significance. Last evaluated: 2024-04-08. Review status: criteria provided, single submitter. Criteria: ACMG Guidelines, 2015. Collection method: clinical testing. Allele origin: germline.

CeGaT Center for Human Genetics Tuebingen
Classification: Uncertain significance. Last evaluated: 2023-06-01. Review status: criteria provided, single submitter. Criteria: CeGaT Center For Human Genetics Tuebingen Variant Classification Criteria Version 2. Collection method: clinical testing. Allele origin: germline. Affected: yes. Observed: 1 variant allele.

Institute of Human Genetics, Univ. Regensburg, Univ. Regensburg
Classification: Uncertain significance for Retinal dystrophy. Last evaluated: 2019-01-01. Review status: no assertion criteria provided. Criteria: ACMG Guidelines, 2015. Collection method: clinical testing. Allele origin: germline. Affected: yes. Not counted in ClinVar's aggregate classification.